The following is an entry in ClinVar:

NM_000094.4(COL7A1):c.6501+1G>C

Gene: COL7A1 (collagen type VII alpha 1 chain; minus strand). Cytogenetic location: 3p21.31.
Variant type: single nucleotide variant.
Coding change: c.6501+1G>C on transcript NM_000094.4 (MANE Select); the canonical splice donor site of the intron after coding-DNA position 6501, G replaced by C.
Molecular consequence: splice donor variant.
Genome position (GRCh38, 1-based): chr3:48,574,261, C>G on the plus strand (G>C on the coding strand, the complement: COL7A1 is on the minus strand). VCF-style: chr3-48574261-C-G. GRCh37 (hg19) VCF-style: chr3-48611694-C-G.
Identifiers: ClinVar variation 1074690 (VCV001074690.33), dbSNP rs759644973, ClinGen allele CA2379008.

ClinVar aggregate classification (germline): Pathogenic/Likely pathogenic. Review status: criteria provided, multiple submitters, no conflicts (2 of 4 stars). 7 submissions from 7 submitters: Pathogenic (5); Likely pathogenic (1). 1 of the submissions does not count toward it. Last evaluated 2026-02-02.

Conditions:
COL7A1-related disorder. Also called: COL7A1-related condition; COL7A1- related disorders.
Recessive dystrophic epidermolysis bullosa (RDEB). Also called: Hallopeau-Siemens Disease; Epidermolysis Bullosa Distrophica Autosomal Recessive (RDEB); epidermolysis bullosa dystrophica, autosomal recessive; DYSTROPHIC EPIDERMOLYSIS BULLOSA, AUTOSOMAL RECESSIVE; EPIDERMOLYSIS BULLOSA DYSTROPHICA, HALLOPEAU-SIEMENS TYPE; EPIDERMOLYSIS BULLOSA DYSTROPHICA, GENERALIZED SEVERE, AUTOSOMAL RECESSIVE. Identifiers: Orphanet 79408, Orphanet 79409, MedGen C0079474, MONDO:0009179, OMIM 226600.
Pretibial dystrophic epidermolysis bullosa. Also called: EPIDERMOLYSIS BULLOSA DYSTROPHICA, PRETIBIAL; Pretibial epidermolysis bullosa; Pretibial blistering. Identifiers: Orphanet 79410, MedGen C0432321, MONDO:0007552, OMIM 131850, HP:0012221.
Dominant dystrophic epidermolysis bullosa with absence of skin. Also called: EPIDERMOLYSIS BULLOSA WITH CONGENITAL LOCALIZED ABSENCE OF SKIN AND DEFORMITY OF NAILS; EPIDERMOLYSIS BULLOSA DYSTROPHICA, BART TYPE. Identifiers: MedGen C0268371, MONDO:0007557, OMIM 132000.
Transient bullous dermolysis of the newborn (TBDN). Also called: EPIDERMOLYSIS BULLOSA DYSTROPHICA, NEONATAL FORM; DYSTROPHIC EPIDERMOLYSIS BULLOSA, NEONATAL. Identifiers: Orphanet 79411, MedGen C1851573, MONDO:0007548, OMIM 131705.
Epidermolysis bullosa pruriginosa. Also called: DEB, PRURIGINOSA; DYSTROPHIC EPIDERMOLYSIS BULLOSA PRURIGINOSA. Identifiers: Orphanet 89843, MedGen C1275114, MONDO:0011398, OMIM 604129.
Nonsyndromic congenital nail disorder 8. Also called: TOENAIL DYSTROPHY, ISOLATED. Identifiers: MedGen C1843761, MONDO:0011852, OMIM 607523.
Generalized dominant dystrophic epidermolysis bullosa (DDEB). Also called: DDEB, generalized; DDEB-gen; DYSTROPHIC EPIDERMOLYSIS BULLOSA, AUTOSOMAL DOMINANT; Epidermolysis bullosa dystrophica, autosomal dominant; Dominant DEB (DDEB). Identifiers: Orphanet 231568, MedGen C0432322, MONDO:0007549, OMIM 131750.
Epidermolysis bullosa dystrophica. Also called: Dystrophic epidermolysis bullosa, Hallopeau-Siemens type (formerly); Dystrophic epidermolysis bullosa. Identifiers: Orphanet 303, MedGen C0079294, MONDO:0006543.

Allele frequency attached by ClinVar (database versions not stated): ExAC 0.00001; gnomAD exomes 0.00001 and 0.00004; TOPMed 0.00001; gnomAD 0.00003.

Submissions (7):

Labcorp Genetics (formerly Invitae), Labcorp
Classification: Pathogenic. Last evaluated: 2026-02-02. Review status: criteria provided, single submitter. Criteria: Invitae Variant Classification Sherloc (09022015). Collection method: clinical testing. Allele origin: germline.
Comment: This sequence change affects a donor splice site in intron 79 of the COL7A1 gene. It is expected to disrupt RNA splicing. Variants that disrupt the donor or acceptor splice site typically lead to a loss of protein function (PMID: 16199547), and loss-of-function variants in COL7A1 are known to be pathogenic (PMID: 16971478). This variant is present in population databases (rs759644973, gnomAD 0.003%). Disruption of this splice site has been observed in individuals with autosomal recessive dystrophic epidermolysis bullosa (PMID: 10504458, 12485454). ClinVar contains an entry for this variant (Variation ID: 1074690). Algorithms developed to predict the effect of sequence changes on RNA splicing suggest that this variant may disrupt the consensus splice site. For these reasons, this variant has been classified as Pathogenic.

GeneDx
Classification: Likely pathogenic. Last evaluated: 2025-12-11. Review status: criteria provided, single submitter. Criteria: GeneDx Variant Classification Process June 2021. Collection method: clinical testing. Allele origin: germline. Affected: yes.
Comment: Identified as heterozygous in patients with a clinical diagnosis of Hallopeau-Siemens RDEB in published literature, however, a second COL7A1 variant was not identified (PMID: 17495952, 10504458); Canonical splice site variant predicted to result in a null allele in a gene for which loss of function is a known mechanism of disease; This variant is associated with the following publications: (PMID: 27537055, 25525159, 17495952, 29625052, 36451132, 10504458)

Myriad Genetics, Inc.
Classification: Pathogenic for Recessive dystrophic epidermolysis bullosa. Last evaluated: 2025-07-28. Review status: criteria provided, single submitter. Criteria: Myriad Autosomal Dominant, Autosomal Recessive and X-Linked Classification Criteria (2023). Collection method: clinical testing. Allele origin: unknown.
Comment: NM_000094.3(COL7A1):c.6501+1G>C is a variant in a canonical splice site classified as pathogenic in the context of dystrophic epidermolysis bullosa. c.6501+1G>C has been observed in cases with relevant disease (PMID: 9375848, 10504458, 34230977). Relevant functional assessments of this variant are not available in the literature. c.6501+1G>C has been observed in referenced population frequency databases. In summary, NM_000094.3(COL7A1):c.6501+1G>C is a variant in a canonical splice site that has been observed more frequently in cases with the relevant disease than in healthy populations. Please note: this variant was assessed in the context of healthy population screening.

Fulgent Genetics
Classification: Pathogenic for Transient bullous dermolysis of the newborn; Generalized dominant dystrophic epidermolysis bullosa; Pretibial dystrophic epidermolysis bullosa; Dominant dystrophic epidermolysis bullosa with absence of skin; Recessive dystrophic epidermolysis bullosa; Epidermolysis bullosa pruriginosa; Nonsyndromic congenital nail disorder 8. Last evaluated: 2024-06-24. Review status: criteria provided, single submitter. Criteria: ACMG Guidelines, 2015. Collection method: clinical testing. Allele origin: germline.

Blueprint Genetics
Classification: Pathogenic for COL7A1-related disorders. Last evaluated: 2024-05-17. Review status: criteria provided, single submitter. Criteria: ACMG Guidelines, 2015. Collection method: clinical testing. Allele origin: germline. Affected: yes. Observed: 2 variant alleles.

CeGaT Center for Human Genetics Tuebingen
Classification: Pathogenic. Last evaluated: 2023-12-01. Review status: criteria provided, single submitter. Criteria: CeGaT Center For Human Genetics Tuebingen Variant Classification Criteria Version 2. Collection method: clinical testing. Allele origin: germline. Affected: yes. Observed: 1 variant allele.
Comment: COL7A1: PVS1:Strong, PM2, PM3, PP4:Moderate

Natera, Inc.
Classification: Pathogenic for Dystrophic epidermolysis bullosa. Last evaluated: 2020-05-18. Review status: no assertion criteria provided. Collection method: clinical testing. Allele origin: germline. Not counted in ClinVar's aggregate classification.

Literature cited by the submitters: PubMed 16199547 (cited by Labcorp Genetics (formerly Invitae), Labcorp); PubMed 16971478 (cited by Labcorp Genetics (formerly Invitae), Labcorp); PubMed 10504458 (cited by Labcorp Genetics (formerly Invitae), Labcorp and Myriad Genetics, Inc.); PubMed 12485454 (cited by Labcorp Genetics (formerly Invitae), Labcorp); PubMed 34230977 (cited by Myriad Genetics, Inc.); PubMed 9375848 (cited by Myriad Genetics, Inc.).